The following is an entry in ClinVar:

ClinVar aggregate classification (germline): Likely benign (1 of 4 stars; one submission).

gnomAD v4.1: 357 of 1,609,060 alleles (0.022%); highest among the groups gnomAD compares: East Asian, 0.21%; 2 homozygotes.

Submission:

CeGaT Center for Human Genetics Tuebingen
Classification: Likely benign. Last evaluated: 2025-05-01. Review status: criteria provided, single submitter. Criteria: CeGaT Center For Human Genetics Tuebingen Variant Classification Criteria Version 2. Collection method: clinical testing. Allele origin: germline. Affected: yes. Observed: 1 variant allele.
Comment: CSMD1: BP4, BP7, BS1

NM_033225.6(CSMD1):c.918C>T (p.Asn306=)

Gene: CSMD1 (CUB and Sushi multiple domains 1; minus strand). Cytogenetic location: 8p23.2.
Variant type: single nucleotide variant.
Coding change: c.918C>T on transcript NM_033225.6 (MANE Select); coding-DNA position 918, C replaced by T.
Protein change: p.Asn306=; no amino-acid change (asparagine 306 retained).
Molecular consequence: synonymous variant.
Genome position (GRCh38, 1-based): chr8:3,753,943, G>A on the plus strand (C>T on the coding strand, the complement: CSMD1 is on the minus strand). VCF-style: chr8-3753943-G-A. GRCh37 (hg19) VCF-style: chr8-3611465-G-A.
Identifiers: ClinVar variation 3905065 (VCV003905065.10).